The following is an entry in ClinVar:

ClinVar aggregate classification (germline): Pathogenic (1 of 4 stars; one submission).

Conditions:
Cardiovascular phenotype. Identifiers: MedGen CN230736.

Submission:

Ambry Genetics
Classification: Pathogenic for Cardiovascular phenotype. Last evaluated: 2025-03-28. Review status: criteria provided, single submitter. Criteria: Ambry Variant Classification Scheme 2023. Collection method: clinical testing. Allele origin: germline.
Comment: The c.1471dupG pathogenic mutation, located in coding exon 17 of the MYBPC3 gene, results from a duplication of G at nucleotide position 1471, causing a translational frameshift with a predicted alternate stop codon (p.V491Gfs*40). This variant was reported in individual(s) with features consistent with hypertrophic cardiomyopathy (Pua CJ et al. Circ Genom Precis Med, 2020 Oct;13:424-434; Ambry internal data). This variant is considered to be rare based on population cohorts in the Genome Aggregation Database (gnomAD). This alteration is expected to result in loss of function by premature protein truncation or nonsense-mediated mRNA decay. As such, this alteration is interpreted as a disease-causing mutation.

Literature cited by the submitters: PubMed 32815737.

NM_000256.3(MYBPC3):c.1471dup (p.Val491fs)

Gene: MYBPC3 (myosin binding protein C3; minus strand). Cytogenetic location: 11p11.2.
Variant type: Duplication.
Coding change: c.1471dup on transcript NM_000256.3 (MANE Select); coding-DNA position 1471, one base duplicated (G; older notation c.1471dupG).
Protein change: p.Val491fs; shifts the reading frame from valine 491.
Molecular consequence: frameshift variant.
Genome position (GRCh38, 1-based): chr11:47,342,731, C duplicated on the plus strand (G on the coding strand, the reverse complement: MYBPC3 is on the minus strand); the first of 4 consecutive C bases (chr11:47,342,731-47,342,734); duplicating any one gives the same sequence. VCF-style (leftmost placement, unchanged base first): chr11-47342730-A-AC. GRCh37 (hg19) VCF-style: chr11-47364281-A-AC.
Other names: c.1471dupG (NM_000256.3); short protein forms V491fs.
Identifiers: ClinVar variation 3915206 (VCV003915206.1).